The following is an entry in ClinVar:

NM_001174150.2(ARL13B):c.1261A>G (p.Ser421Gly)

Gene: ARL13B (ARF like GTPase 13B; plus strand). Cytogenetic location: 3q11.2.
Variant type: single nucleotide variant.
Coding change: c.1261A>G on transcript NM_001174150.2 (MANE Select); coding-DNA position 1261, A replaced by G.
Protein change: p.Ser421Gly; replaces serine 421 with glycine.
Molecular consequence: missense variant. On other transcripts: non-coding transcript variant (2).
Genome position (GRCh38, 1-based): chr3:94,053,237, A>G. VCF-style: chr3-94053237-A-G. GRCh37 (hg19) VCF-style: chr3-93772081-A-G.
Other names: c.952A>G, p.Ser318Gly (NM_001174151.2); c.1216A>G, p.Ser406Gly (NM_001321328.2); c.940A>G, p.Ser314Gly (NM_144996.4); c.1261A>G, p.Ser421Gly (NM_182896.3); short protein forms S421G, S314G, S406G, S318G.
Identifiers: ClinVar variation 405194 (VCV000405194.9), dbSNP rs112062713, ClinGen allele CA2504328.

ClinVar aggregate classification (germline): Conflicting classifications of pathogenicity. Review status: criteria provided, conflicting classifications (1 of 4 stars). 6 submissions from 6 submitters: Uncertain significance (4); Benign (1); Likely benign (1). Last evaluated 2026-04-03.

Conditions:
ARL13B-related disorder. Also called: ARL13B-related condition.
Inborn genetic diseases. Identifiers: MedGen C0950123, MeSH D030342.
Joubert syndrome 8 (JBTS8). Identifiers: Orphanet 475, MedGen C2676771, MONDO:0012855, OMIM 612291.

Allele frequency attached by ClinVar (database versions not stated): gnomAD exomes 0.00003 and 0.00007; ExAC 0.00008; gnomAD 0.00034 and 0.00040; TOPMed 0.00043; ESP Exome Variant Server 0.00054.
gnomAD v4.1: 98 of 1,613,348 alleles (0.0061%); highest among the groups gnomAD compares: African/African-American, 0.12%; no homozygotes.

Submissions (6):

GeneDx
Classification: Uncertain significance. Last evaluated: 2026-04-03. Review status: criteria provided, single submitter. Criteria: GeneDx Variant Classification Process June 2021. Collection method: clinical testing. Allele origin: germline.
Comment: In silico analysis suggests that this missense variant does not alter protein structure/function; Has not been previously published as pathogenic or benign to our knowledge

PreventionGenetics, part of Exact Sciences
Classification: Uncertain significance for ARL13B-related condition. Last evaluated: 2026-03-30. Review status: criteria provided, single submitter. Criteria: ACMG Guidelines, 2015. Collection method: clinical testing. Allele origin: germline.
Comment: The ARL13B c.1261A>G variant is predicted to result in the amino acid substitution p.Ser421Gly. To our knowledge, this variant has not been reported in the literature. This variant is reported in 0.12% of alleles in individuals of African descent in gnomAD. Although we suspect that this variant may be benign, at this time, the clinical significance of this variant is uncertain due to the absence of conclusive functional and genetic evidence.

Ambry Genetics
Classification: Likely benign for Inborn genetic diseases. Last evaluated: 2025-07-12. Review status: criteria provided, single submitter. Criteria: Ambry Variant Classification Scheme 2023. Collection method: clinical testing. Allele origin: germline.

Blueprint Genetics
Classification: Benign. Last evaluated: 2024-09-05. Review status: criteria provided, single submitter. Criteria: ACMG Guidelines, 2015. Collection method: clinical testing. Allele origin: germline.

Fulgent Genetics
Classification: Uncertain significance for Joubert syndrome 8. Last evaluated: 2024-01-25. Review status: criteria provided, single submitter. Criteria: ACMG Guidelines, 2015. Collection method: clinical testing. Allele origin: germline.

Labcorp Genetics (formerly Invitae), Labcorp
Classification: Uncertain significance for Joubert syndrome 8. Last evaluated: 2022-09-19. Review status: criteria provided, single submitter. Criteria: Invitae Variant Classification Sherloc (09022015). Collection method: clinical testing. Allele origin: germline.
Comment: This sequence change replaces serine, which is neutral and polar, with glycine, which is neutral and non-polar, at codon 421 of the ARL13B protein (p.Ser421Gly). This variant is present in population databases (rs112062713, gnomAD 0.1%). This variant has not been reported in the literature in individuals affected with ARL13B-related conditions. ClinVar contains an entry for this variant (Variation ID: 405194). Algorithms developed to predict the effect of missense changes on protein structure and function output the following: SIFT: "Tolerated"; PolyPhen-2: "Benign"; Align-GVGD: "Class C0". The glycine amino acid residue is found in multiple mammalian species, which suggests that this missense change does not adversely affect protein function. In summary, the available evidence is currently insufficient to determine the role of this variant in disease. Therefore, it has been classified as a Variant of Uncertain Significance.